The following is an entry in ClinVar:

NM_001377.3(DYNC2H1):c.12896G>A (p.Gly4299Glu)

Gene: DYNC2H1 (dynein cytoplasmic 2 heavy chain 1; plus strand). Cytogenetic location: 11q22.3.
Variant type: single nucleotide variant.
Coding change: c.12896G>A on transcript NM_001377.3 (MANE Select); coding-DNA position 12896, G replaced by A.
Protein change: p.Gly4299Glu; replaces glycine 4299 with glutamic acid.
Molecular consequence: missense variant.
Genome position (GRCh38, 1-based): chr11:103,479,225, G>A. VCF-style: chr11-103479225-G-A. GRCh37 (hg19) VCF-style: chr11-103349953-G-A.
Other names: c.12917G>A, p.Gly4306Glu (NM_001080463.2); short protein forms G4306E, G4299E.
Identifiers: ClinVar variation 446681 (VCV000446681.10), dbSNP rs770569272, ClinGen allele CA6255709.

ClinVar aggregate classification (germline): Uncertain significance. Review status: criteria provided, multiple submitters, no conflicts (2 of 4 stars). 4 submissions from 4 submitters: Uncertain significance (2). 2 of the submissions do not count toward it. Last evaluated 2024-06-24.

Conditions:
Short-rib thoracic dysplasia 6 with or without polydactyly (SRTD6). Also called: POLYDACTYLY WITH NEONATAL CHONDRODYSTROPHY, TYPE II; SHORT-RIB THORACIC DYSPLASIA 6 WITHOUT POLYDACTYLY; SHORT-RIB THORACIC DYSPLASIA 6 WITH POLYDACTYLY; SHORT RIB-POLYDACTYLY SYNDROME, TYPE IIA; Majewski Syndrome. Identifiers: MedGen C0024507, MONDO:0009894, OMIM 263520.
Jeune thoracic dystrophy. Also called: Jeune syndrome; Infantile thoracic dystrophy; Thoracic pelvic phalangeal dystrophy; Jeune's syndrome; Chondroectodermal dysplasia-like syndrome; Short-rib thoracic dysplasia. Identifiers: Orphanet 474, MedGen C0265275, MONDO:0018770.

Allele frequency attached by ClinVar (database versions not stated): ExAC 0.00001; gnomAD exomes 0.00001; TOPMed 0.00002.
gnomAD v4.1: 10 of 1,613,530 alleles (0.00062%); highest among the groups gnomAD compares: Non-Finnish European, 0.00068%; no homozygotes.

Submissions (4):

Women's Health and Genetics/Laboratory Corporation of America, LabCorp
Classification: Uncertain significance. Last evaluated: 2024-06-24. Review status: criteria provided, single submitter. Criteria: LabCorp Variant Classification Summary - May 2015. Collection method: clinical testing. Allele origin: germline.
Comment: Variant summary: DYNC2H1 c.12917G>A (p.Gly4306Glu) results in a non-conservative amino acid change located in the Dynein heavy chain, C-terminal domain (IPR041228) of the encoded protein sequence. Four of five in-silico tools predict a damaging effect of the variant on protein function. The variant allele was found at a frequency of 8e-06 in 248780 control chromosomes. The available data on variant occurrences in the general population are insufficient to allow any conclusion about variant significance. c.12917G>A has been reported in the literature in at least one individual affected with Short-rib thoracic dysplasia who was heterozygous for the variant (Zhang_2018). However, a second variant was not identified in this individual. These report(s) do not provide unequivocal conclusions about association of the variant with Short-rib thoracic dysplasia. To our knowledge, no experimental evidence demonstrating an impact on protein function has been reported. The following publication has been ascertained in the context of this evaluation (PMID: 29068549). ClinVar contains an entry for this variant (Variation ID: 446681). Based on the evidence outlined above, the variant was classified as uncertain significance.

Labcorp Genetics (formerly Invitae), Labcorp
Classification: Uncertain significance for Jeune thoracic dystrophy. Last evaluated: 2021-08-27. Review status: criteria provided, single submitter. Criteria: Invitae Variant Classification Sherloc (09022015). Collection method: clinical testing. Allele origin: germline.
Comment: This sequence change replaces glycine with glutamic acid at codon 4306 of the DYNC2H1 protein (p.Gly4306Glu). The glycine residue is highly conserved and there is a moderate physicochemical difference between glycine and glutamic acid. This variant is present in population databases (rs770569272, ExAC 0.002%). This missense change has been observed in individual(s) with clinical features of DYNC2H1-related conditions (Invitae). ClinVar contains an entry for this variant (Variation ID: 446681). Algorithms developed to predict the effect of missense changes on protein structure and function are either unavailable or do not agree on the potential impact of this missense change (SIFT: "Tolerated"; PolyPhen-2: "Probably Damaging"; Align-GVGD: "Class C0"). In summary, the available evidence is currently insufficient to determine the role of this variant in disease. Therefore, it has been classified as a Variant of Uncertain Significance.

Dan Cohn Lab, University Of California Los Angeles
Classification: Uncertain significance for Short-rib thoracic dysplasia 6 with or without polydactyly. Last evaluated: 2017-06-01. Review status: no assertion criteria provided. Collection method: research. Allele origin: paternal. Affected: yes. Not counted in ClinVar's aggregate classification.

University of Washington Center for Mendelian Genomics, University of Washington
Classification: Likely pathogenic for short-rib polydactyly syndrome type II. Review status: no assertion criteria provided. Collection method: research. Allele origin: inherited. Affected: yes. Not counted in ClinVar's aggregate classification.

Literature cited by the submitters: PubMed 29068549 (cited by 3 submitters).